The following is an entry in ClinVar:

NM_005137.3(DGCR2):c.1067CCT[1] (p.Ser357del)

Gene: DGCR2 (DiGeorge syndrome critical region gene 2; minus strand). Cytogenetic location: 22q11.21.
Variant type: Microsatellite.
Coding change: c.1067CCT[1] on transcript NM_005137.3 (MANE Select); one copy of the 3-base unit CCT starting at c.1067; the reference has two copies in a row; one copy, 3 bases deleted.
Protein change: p.Ser357del; deletes serine 357.
Molecular consequence: inframe deletion. On other transcripts: non-coding transcript variant (1).
Genome position (GRCh38, 1-based): chr22:19,041,894-19,041,896, AGG deleted on the plus strand (CCT on the coding strand, the reverse complement: DGCR2 is on the minus strand); deleting any 3 consecutive bases within chr22:19,041,894-19,041,901 gives the same sequence; the position shown is the placement nearest the transcript's 3' end. VCF-style (leftmost placement, unchanged base first): chr22-19041893-AAGG-A. GRCh37 (hg19) VCF-style: chr22-19029406-AAGG-A.
Other names: c.944CCT[1], p.Ser316del (NM_001173533.2); c.935CCT[1], p.Ser313del (NM_001173534.2); c.1058CCT[1], p.Ser354del (NM_001184781.2); short protein forms S313del, S316del, S354del, S357del.
Identifiers: ClinVar variation 3389150 (VCV003389150.14).

ClinVar aggregate classification (germline): Likely benign (1 of 4 stars; one submission).

Submission:

CeGaT Center for Human Genetics Tuebingen
Classification: Likely benign. Last evaluated: 2024-09-01. Review status: criteria provided, single submitter. Criteria: CeGaT Center For Human Genetics Tuebingen Variant Classification Criteria Version 2. Collection method: clinical testing. Allele origin: germline. Affected: yes. Observed: 1 variant allele.
Comment: DGCR2: BP3, BS2